The following is an entry in ClinVar:

ClinVar aggregate classification (germline): Likely pathogenic. Review status: criteria provided, multiple submitters, no conflicts (2 of 4 stars). 2 submissions from 2 submitters: Likely pathogenic (2). Last evaluated 2025-02-23.

Conditions:
Hereditary cancer-predisposing syndrome. Also called: Hereditary Cancer Syndrome; Tumor predisposition; Neoplastic Syndromes, Hereditary; Hereditary neoplastic syndrome. Identifiers: Orphanet 140162, MedGen C0027672, MeSH D009386, MONDO:0015356.
Juvenile polyposis syndrome (JPS). Identifiers: Orphanet 2929, MedGen C0345893, MONDO:0017380, OMIM 174900.

Submissions (2):

Labcorp Genetics (formerly Invitae), Labcorp
Classification: Likely pathogenic for Juvenile polyposis syndrome. Last evaluated: 2025-02-23. Review status: criteria provided, single submitter. Criteria: Invitae Variant Classification Sherloc (09022015). Collection method: clinical testing. Allele origin: germline.
Comment: This sequence change affects a donor splice site in intron 9 of the BMPR1A gene. It is expected to disrupt RNA splicing. Variants that disrupt the donor or acceptor splice site typically lead to a loss of protein function (PMID: 16199547), and loss-of-function variants in BMPR1A are known to be pathogenic (PMID: 11536076, 12417513). This variant is not present in population databases (gnomAD no frequency). This variant has not been reported in the literature in individuals affected with BMPR1A-related conditions. ClinVar contains an entry for this variant (Variation ID: 649955). Algorithms developed to predict the effect of sequence changes on RNA splicing suggest that this variant may disrupt the consensus splice site. In summary, the currently available evidence indicates that the variant is pathogenic, but additional data are needed to prove that conclusively. Therefore, this variant has been classified as Likely Pathogenic.

Color Diagnostics, LLC DBA Color Health
Classification: Likely pathogenic for Hereditary cancer-predisposing syndrome. Last evaluated: 2021-03-15. Review status: criteria provided, single submitter. Criteria: ACMG Guidelines, 2015. Collection method: clinical testing. Allele origin: germline.
Comment: This variant causes a G to A nucleotide substitution at the +1 position of intron 9 of the BMPR1A gene. Splice site prediction tools predict that this variant may have a significant impact on RNA splicing. Although this prediction has not been confirmed in published RNA studies, this variant is expected to result in an absent or disrupted protein product. This variant has not been reported in individuals affected with hereditary cancer in the literature. This variant has not been identified in the general population by the Genome Aggregation Database (gnomAD). Loss of BMPR1A function is a known mechanism of disease. Based on the available evidence, this variant is classified as Likely Pathogenic.

Literature cited by the submitters: PubMed 16199547 (cited by Labcorp Genetics (formerly Invitae), Labcorp); PubMed 11536076 (cited by Labcorp Genetics (formerly Invitae), Labcorp); PubMed 12417513 (cited by Labcorp Genetics (formerly Invitae), Labcorp).

NM_004329.3(BMPR1A):c.868+1G>A

Gene: BMPR1A (bone morphogenetic protein receptor type 1A; plus strand). Cytogenetic location: 10q23.2.
Variant type: single nucleotide variant.
Coding change: c.868+1G>A on transcript NM_004329.3 (MANE Select); the canonical splice donor site of the intron after coding-DNA position 868, G replaced by A.
Molecular consequence: splice donor variant.
Genome position (GRCh38, 1-based): chr10:86,917,327, G>A. VCF-style: chr10-86917327-G-A. GRCh37 (hg19) VCF-style: chr10-88677084-G-A.
Other names: c.868+1G>A (NM_001406562.1, NM_001406568.1, NM_001406567.1 and 19 more transcripts); c.784+1G>A (NM_001406584.1, NM_001406588.1, NM_001406587.1 and 2 more transcripts); c.916+1G>A (NM_001406560.1); c.943+1G>A (NM_001406559.1); c.862+1G>A (NM_001406583.1); c.526+1G>A (NM_001406589.1).
Identifiers: ClinVar variation 649955 (VCV000649955.10), dbSNP rs1589290813, ClinGen allele CA377458891.